The following is an entry in ClinVar:

NM_001135995.2(ATXN3L):c.124G>C (p.Glu42Gln)

Genes: ATXN3L (ataxin 3 like; minus strand), GS1-600G8.3 (unknown transcript; plus strand). Cytogenetic location: Xp22.2.
Variant type: single nucleotide variant.
Coding change: c.124G>C on transcript NM_001135995.2 (MANE Select); coding-DNA position 124, G replaced by C.
Protein change: p.Glu42Gln; replaces glutamic acid 42 with glutamine.
Molecular consequence: missense variant. On other transcripts: non-coding transcript variant (1).
Genome position (GRCh38, 1-based): chrX:13,319,811, C>G on the plus strand (G>C on the coding strand, the complement: ATXN3L is on the minus strand). VCF-style: chrX-13319811-C-G. GRCh37 (hg19) VCF-style: chrX-13337930-C-G.
Other names: c.124G>C, p.Glu42Gln (NM_001387036.1); short protein forms E42Q.
Identifiers: ClinVar variation 4644684 (VCV004644684.1).

ClinVar aggregate classification (germline): Uncertain significance (1 of 4 stars; one submission).

gnomAD v4.1: 3 of 1,210,070 alleles (0.00025%); highest among the groups gnomAD compares: South Asian, 0.0018%; no homozygotes.

Submission:

Ambry Genetics
Classification: Uncertain significance. Last evaluated: 2025-10-18. Review status: criteria provided, single submitter. Criteria: Ambry Variant Classification Scheme 2023. Collection method: clinical testing. Allele origin: germline.
Comment: The c.124G>C (p.E42Q) alteration is located in exon 1 (coding exon 1) of the ATXN3L gene. This alteration results from a G to C substitution at nucleotide position 124, causing the glutamic acid (E) at amino acid position 42 to be replaced by a glutamine (Q). Based on data from gnomAD, the C allele has an overall frequency of 0.005% (1/22052) total alleles studied. The highest observed frequency was <0.001% (/) of alleles. Based on insufficient or conflicting evidence, the clinical significance of this alteration remains unclear.